The following is an entry in ClinVar:

ClinVar aggregate classification (germline): Conflicting classifications of pathogenicity. Review status: criteria provided, conflicting classifications (1 of 4 stars). 2 submissions from 2 submitters: Likely pathogenic (1); Uncertain significance (1). Last evaluated 2021-06-10.

Conditions:
ARID1A-related BAFopathy.

Allele frequency attached by ClinVar (database versions not stated): gnomAD exomes below 0.00001.
gnomAD v4.1: 1 of 1,614,200 alleles (0.000062%); highest among the groups gnomAD compares: East Asian, 0.0022%; no homozygotes.

Submissions (2):

Baylor Genetics
Classification: Likely pathogenic for ARID1A-related BAFopathy. Last evaluated: 2021-06-10. Review status: criteria provided, single submitter. Criteria: ACMG Guidelines, 2015. Collection method: clinical testing. Allele origin: de novo. Affected: yes.

GeneDx
Classification: Uncertain significance. Last evaluated: 2021-05-24. Review status: criteria provided, single submitter. Criteria: GeneDx Variant Classification Process June 2021. Collection method: clinical testing. Allele origin: germline. Affected: yes.
Comment: Not observed at significant frequency in large population cohorts (Lek et al., 2016); In silico analysis supports that this missense variant has a deleterious effect on protein structure/function; Has not been previously published as pathogenic or benign to our knowledge

NM_006015.6(ARID1A):c.6490C>T (p.Arg2164Trp)

Gene: ARID1A (AT-rich interaction domain 1A; plus strand). Cytogenetic location: 1p36.11.
Variant type: single nucleotide variant.
Coding change: c.6490C>T on transcript NM_006015.6 (MANE Select); coding-DNA position 6490, C replaced by T.
Protein change: p.Arg2164Trp; replaces arginine 2164 with tryptophan.
Molecular consequence: missense variant.
Genome position (GRCh38, 1-based): chr1:26,780,388, C>T. VCF-style: chr1-26780388-C-T. GRCh37 (hg19) VCF-style: chr1-27106879-C-T.
Other names: c.5839C>T, p.Arg1947Trp (NM_139135.4); c.6490C>T (NM_006015.4); short protein forms R1947W, R2164W.
Identifiers: ClinVar variation 1177345 (VCV001177345.3), dbSNP rs2124149645, ClinGen allele CA339192606.